The following is an entry in ClinVar:

ClinVar aggregate classification (germline): Benign (1 of 4 stars; one submission).

Conditions:
Spinocerebellar ataxia type 11 (SCA11). Identifiers: Orphanet 98767, MedGen C1858351, MONDO:0011464, OMIM 604432.

Allele frequency attached by ClinVar (database versions not stated): gnomAD 0.00186 and 0.00190; TOPMed 0.00209; 1000 Genomes Project 0.00220; gnomAD exomes 0.00326.
gnomAD v4.1: 307 of 156,414 alleles (0.2%); highest among the groups gnomAD compares: Middle Eastern, 0.72%; 1 homozygote.

Submission:

Illumina Laboratory Services, Illumina
Classification: Benign for Spinocerebellar ataxia type 11. Last evaluated: 2018-01-13. Review status: criteria provided, single submitter. Criteria: ICSL Variant Classification Criteria 13 December 2019. Collection method: clinical testing. Allele origin: germline.
Comment: This variant was observed in the ICSL laboratory as part of a predisposition screen in an ostensibly healthy population. It had not been previously curated by ICSL or reported in the Human Gene Mutation Database (HGMD: prior to June 1st, 2018), and was therefore a candidate for classification through an automated scoring system. Utilizing variant allele frequency, disease prevalence and penetrance estimates, and inheritance mode, an automated score was calculated to assess if this variant is too frequent to cause the disease. Based on the score and internal cut-off values, a variant classified as benign is not then subjected to further curation. The score for this variant resulted in a classification of benign for this disease.

NM_173500.4(TTBK2):c.*581A>T

Gene: TTBK2 (tau tubulin kinase 2; minus strand). Cytogenetic location: 15q15.2.
Variant type: single nucleotide variant.
Coding change: c.*581A>T on transcript NM_173500.4 (MANE Select); 581 bases downstream of the stop codon, A replaced by T.
Molecular consequence: 3 prime UTR variant.
Genome position (GRCh38, 1-based): chr15:42,745,214, T>A on the plus strand (A>T on the coding strand, the complement: TTBK2 is on the minus strand). VCF-style: chr15-42745214-T-A. GRCh37 (hg19) VCF-style: chr15-43037412-T-A.
Identifiers: ClinVar variation 315970 (VCV000315970.5), dbSNP rs575564250, ClinGen allele CA10645963.